The following is an entry in ClinVar:

ClinVar aggregate classification (germline): Likely benign. Review status: criteria provided, single submitter (1 of 4 stars). 2 submissions from 2 submitters: Likely benign (1). 1 of the submissions does not count toward it. Last evaluated 2024-01-25.

Conditions:
GFM1-related disorder. Also called: GFM1-related condition.

Allele frequency attached by ClinVar (database versions not stated): gnomAD exomes below 0.00001 and 0.00001; gnomAD 0.00001 and 0.00002; TOPMed 0.00001.

Submissions (2):

Labcorp Genetics (formerly Invitae), Labcorp
Classification: Likely benign. Last evaluated: 2024-01-25. Review status: criteria provided, single submitter. Criteria: Invitae Variant Classification Sherloc (09022015). Collection method: clinical testing. Allele origin: germline.

PreventionGenetics, part of Exact Sciences
Classification: Likely benign for GFM1-related condition. Last evaluated: 2020-09-30. Review status: no assertion criteria provided. Collection method: clinical testing. Allele origin: germline. Not counted in ClinVar's aggregate classification.
Comment: This variant is classified as likely benign based on ACMG/AMP sequence variant interpretation guidelines (Richards et al. 2015 PMID: 25741868, with internal and published modifications).

NM_024996.7(GFM1):c.171T>C (p.Ser57=)

Gene: GFM1 (G elongation factor mitochondrial 1; plus strand). Cytogenetic location: 3q25.32.
Variant type: single nucleotide variant.
Coding change: c.171T>C on transcript NM_024996.7 (MANE Select); coding-DNA position 171, T replaced by C.
Protein change: p.Ser57=; no amino-acid change (serine 57 retained).
Molecular consequence: synonymous variant. On other transcripts: 5 prime UTR variant (4), non-coding transcript variant (4).
Genome position (GRCh38, 1-based): chr3:158,645,718, T>C. VCF-style: chr3-158645718-T-C. GRCh37 (hg19) VCF-style: chr3-158363507-T-C.
Other names: c.171T>C, p.Ser57= (NM_001308164.2, NM_001308166.2, NM_001374355.1 and 2 more transcripts); c.-55T>C (NM_001374357.1); c.-59T>C (NM_001374359.1, NM_001374360.1, NM_001374361.1); c.171T>C (NM_001308164.1).
Identifiers: ClinVar variation 1569337 (VCV001569337.10), dbSNP rs1047319252, ClinGen allele CA86495537.